The following is an entry in ClinVar:

ClinVar aggregate classification (germline): Pathogenic (1 of 4 stars; one submission).

Submission:

Labcorp Genetics (formerly Invitae), Labcorp
Classification: Pathogenic. Last evaluated: 2024-09-12. Review status: criteria provided, single submitter. Criteria: Invitae Variant Classification Sherloc (09022015). Collection method: clinical testing. Allele origin: germline.
Comment: This sequence change creates a premature translational stop signal (p.Tyr578*) in the BMP1 gene. It is expected to result in an absent or disrupted protein product. Loss-of-function variants in BMP1 are known to be pathogenic (PMID: 25656619, 27576954, 28257626). This variant is not present in population databases (gnomAD no frequency). This variant has not been reported in the literature in individuals affected with BMP1-related conditions. For these reasons, this variant has been classified as Pathogenic.

Literature cited by the submitters: PubMed 25656619; PubMed 27576954; PubMed 28257626.

NM_006129.5(BMP1):c.1734C>G (p.Tyr578Ter)

Genes: BMP1 (bone morphogenetic protein 1; plus strand), LOC113788269 (BRD4-independent group 4 enhancer GRCh37_chr8:22052064-22053263; plus strand). Cytogenetic location: 8p21.3.
Variant type: single nucleotide variant.
Coding change: c.1734C>G on transcript NM_006129.5 (MANE Select); coding-DNA position 1734, C replaced by G.
Protein change: p.Tyr578Ter; replaces tyrosine 578 with a stop codon.
Molecular consequence: nonsense. On other transcripts: non-coding transcript variant (2).
Genome position (GRCh38, 1-based): chr8:22,195,556, C>G. VCF-style: chr8-22195556-C-G. GRCh37 (hg19) VCF-style: chr8-22053069-C-G.
Other names: c.1734C>G, p.Tyr578Ter (NM_001199.4); short protein forms Y578*.
Identifiers: ClinVar variation 3668306 (VCV003668306.2).
Genomic context (GRCh38, chr8:22,195,556, plus strand): 5'-CTGTGAGCAGCGGTGCCTCAACACCCTGGGCAGCTACAAGTGCAGCTGTGACCCCGGGTA[C>G]GAGCTGGCCCCAGACAAGCGCCGCTGTGAGGGTGAGTGCCCCCAGACTGCCTCTGACCCT-3'